The following is an entry in ClinVar:

ClinVar aggregate classification (germline): Uncertain significance. Review status: criteria provided, multiple submitters, no conflicts (2 of 4 stars). 2 submissions from 2 submitters: Uncertain significance (2). Last evaluated 2023-10-13.

Conditions:
Nephronophthisis 14 (NPHP14). Identifiers: Orphanet 2318, MedGen C3539071, MONDO:0013916, OMIM 614844.

Allele frequency attached by ClinVar (database versions not stated): gnomAD 0.00001 and 0.00003; TOPMed 0.00001; gnomAD exomes 0.00003 and 0.00004; ExAC 0.00006.
gnomAD v4.1: 50 of 1,613,854 alleles (0.0031%); highest among the groups gnomAD compares: Middle Eastern, 0.066%; no homozygotes.

Submissions (2):

Labcorp Genetics (formerly Invitae), Labcorp
Classification: Uncertain significance for Nephronophthisis 14. Last evaluated: 2023-10-13. Review status: criteria provided, single submitter. Criteria: Invitae Variant Classification Sherloc (09022015). Collection method: clinical testing. Allele origin: germline.
Comment: This sequence change replaces alanine, which is neutral and non-polar, with threonine, which is neutral and polar, at codon 842 of the ZNF423 protein (p.Ala842Thr). This variant is present in population databases (rs768539056, gnomAD 0.03%). This variant has not been reported in the literature in individuals affected with ZNF423-related conditions. ClinVar contains an entry for this variant (Variation ID: 955954). Advanced modeling of protein sequence and biophysical properties (such as structural, functional, and spatial information, amino acid conservation, physicochemical variation, residue mobility, and thermodynamic stability) performed at Invitae indicates that this missense variant is not expected to disrupt ZNF423 protein function. In summary, the available evidence is currently insufficient to determine the role of this variant in disease. Therefore, it has been classified as a Variant of Uncertain Significance.

GeneDx
Classification: Uncertain significance. Last evaluated: 2022-09-29. Review status: criteria provided, single submitter. Criteria: GeneDx Variant Classification Process June 2021. Collection method: clinical testing. Allele origin: germline. Affected: yes.
Comment: In silico analysis supports that this missense variant does not alter protein structure/function; Has not been previously published as pathogenic or benign to our knowledge

NM_001379286.1(ZNF423):c.2548G>A (p.Ala850Thr)

Gene: ZNF423 (zinc finger protein 423; minus strand). Cytogenetic location: 16q12.1.
Variant type: single nucleotide variant.
Coding change: c.2548G>A on transcript NM_001379286.1 (MANE Select); coding-DNA position 2548, G replaced by A.
Protein change: p.Ala850Thr; replaces alanine 850 with threonine.
Molecular consequence: missense variant.
Genome position (GRCh38, 1-based): chr16:49,636,628, C>T on the plus strand (G>A on the coding strand, the complement: ZNF423 is on the minus strand). VCF-style: chr16-49636628-C-T. GRCh37 (hg19) VCF-style: chr16-49670539-C-T.
Other names: c.2344G>A, p.Ala782Thr (NM_001271620.2); c.2173G>A, p.Ala725Thr (NM_001330533.2); c.2524G>A, p.Ala842Thr (NM_015069.5); short protein forms A842T, A850T, A725T, A782T.
Identifiers: ClinVar variation 955954 (VCV000955954.9), dbSNP rs768539056, ClinGen allele CA8046483.
Genomic context (GRCh38, chr16:49,636,628, plus strand): 5'-GCATGCCCTGCAGGTCAGCAGGCTCAGCTTTCTTGGTGGCCATTGGGGGTACCCCATTGG[C>T]CGTGCCGTTCTCGGTCGCAGCATCAAACACACAGTGCTTCTCCCGCAGGTGCTTCTCCAG-3'
Protein context (NP_001366215.1, residues 840-860): VFDAATENGT[Ala850Thr]NGVPPMATKK